The following is an entry in ClinVar:

NM_001142800.2(EYS):c.6874A>C (p.Asn2292His)

Gene: EYS (EGF-like photoreceptor maintenance factor; minus strand). Cytogenetic location: 6q12.
Variant type: single nucleotide variant.
Coding change: c.6874A>C on transcript NM_001142800.2 (MANE Select); coding-DNA position 6874, A replaced by C.
Protein change: p.Asn2292His; replaces asparagine 2292 with histidine.
Molecular consequence: missense variant.
Genome position (GRCh38, 1-based): chr6:63,984,564, T>G on the plus strand (A>C on the coding strand, the complement: EYS is on the minus strand). VCF-style: chr6-63984564-T-G. GRCh37 (hg19) VCF-style: chr6-64694457-T-G.
Other names: c.6874A>C, p.Asn2292His (NM_001292009.2); short protein forms N2292H.
Identifiers: ClinVar variation 866556 (VCV000866556.7), dbSNP rs906094515, ClinGen allele CA140266923.

ClinVar aggregate classification (germline): Uncertain significance. Review status: criteria provided, multiple submitters, no conflicts (2 of 4 stars). 3 submissions from 3 submitters: Uncertain significance (2). 1 of the submissions does not count toward it. Last evaluated 2024-02-23.

Conditions:
Autosomal recessive retinitis pigmentosa. Identifiers: MedGen C0339526.

Allele frequency attached by ClinVar (database versions not stated): gnomAD 0.00004; gnomAD exomes 0.00004 and 0.00005; TOPMed 0.00004.
gnomAD v4.1: 82 of 1,549,438 alleles (0.0053%); highest among the groups gnomAD compares: Middle Eastern, 0.067%; no homozygotes.

Submissions (3):

Labcorp Genetics (formerly Invitae), Labcorp
Classification: Uncertain significance. Last evaluated: 2024-02-23. Review status: criteria provided, single submitter. Criteria: Invitae Variant Classification Sherloc (09022015). Collection method: clinical testing. Allele origin: germline.
Comment: This sequence change replaces asparagine, which is neutral and polar, with histidine, which is basic and polar, at codon 2292 of the EYS protein (p.Asn2292His). This variant is present in population databases (no rsID available, gnomAD 0.01%). This variant has not been reported in the literature in individuals affected with EYS-related conditions. ClinVar contains an entry for this variant (Variation ID: 866556). Advanced modeling of protein sequence and biophysical properties (such as structural, functional, and spatial information, amino acid conservation, physicochemical variation, residue mobility, and thermodynamic stability) has been performed at Invitae for this missense variant, however the output from this modeling did not meet the statistical confidence thresholds required to predict the impact of this variant on EYS protein function. In summary, the available evidence is currently insufficient to determine the role of this variant in disease. Therefore, it has been classified as a Variant of Uncertain Significance.

Blueprint Genetics
Classification: Uncertain significance. Last evaluated: 2024-02-21. Review status: criteria provided, single submitter. Criteria: ACMG Guidelines, 2015. Collection method: clinical testing. Allele origin: germline.

Natera, Inc.
Classification: Uncertain significance for Autosomal recessive retinitis pigmentosa. Last evaluated: 2020-07-29. Review status: no assertion criteria provided. Collection method: clinical testing. Allele origin: germline. Not counted in ClinVar's aggregate classification.